The following is an entry in ClinVar:

ClinVar aggregate classification (germline): Uncertain significance (1 of 4 stars; one submission).

Allele frequency attached by ClinVar (database versions not stated): gnomAD exomes below 0.00001.
gnomAD v4.1: 2 of 1,612,776 alleles (0.00012%); highest among the groups gnomAD compares: Non-Finnish European, 0.00017%; no homozygotes.

Submission:

Labcorp Genetics (formerly Invitae), Labcorp
Classification: Uncertain significance. Last evaluated: 2023-06-13. Review status: criteria provided, single submitter. Criteria: Invitae Variant Classification Sherloc (09022015). Collection method: clinical testing. Allele origin: germline.
Comment: This sequence change replaces asparagine, which is neutral and polar, with tyrosine, which is neutral and polar, at codon 497 of the PPP3CA protein (p.Asn497Tyr). This variant is not present in population databases (gnomAD no frequency). This variant has not been reported in the literature in individuals affected with PPP3CA-related conditions. ClinVar contains an entry for this variant (Variation ID: 1431372). In summary, the available evidence is currently insufficient to determine the role of this variant in disease. Therefore, it has been classified as a Variant of Uncertain Significance. An algorithm developed to predict the effect of missense changes on protein structure and function (PolyPhen-2) suggests that this variant is likely to be disruptive.

NM_000944.5(PPP3CA):c.1489A>T (p.Asn497Tyr)

Gene: PPP3CA (protein phosphatase 3 catalytic subunit alpha; minus strand). Cytogenetic location: 4q24.
Variant type: single nucleotide variant.
Coding change: c.1489A>T on transcript NM_000944.5 (MANE Select); coding-DNA position 1489, A replaced by T.
Protein change: p.Asn497Tyr; replaces asparagine 497 with tyrosine.
Molecular consequence: missense variant.
Genome position (GRCh38, 1-based): chr4:101,025,942, T>A on the plus strand (A>T on the coding strand, the complement: PPP3CA is on the minus strand). VCF-style: chr4-101025942-T-A. GRCh37 (hg19) VCF-style: chr4-101947099-T-A.
Other names: c.1459A>T, p.Asn487Tyr (NM_001130691.2); c.1333A>T, p.Asn445Tyr (NM_001130692.2); short protein forms N497Y, N445Y, N487Y.
Identifiers: ClinVar variation 1431372 (VCV001431372.6), dbSNP rs1726627239, ClinGen allele CA357947584.
Genomic context (GRCh38, chr4:101,025,942, plus strand): 5'-TATTACTGCCATTGCTGTCCGTGCCGTTAGTCTCTGAGGTGAGAGCCTTGTTGATGGAGT[T>A]AAGGTTGGCGTCAGAGGGCATGGCATCTCTGCGAGGCGGCATCCTCTCATTAATTCGGTC-3'
Protein context (NP_000935.1, residues 487-507): RDAMPSDANL[Asn497Tyr]SINKALTSET